The following is an entry in ClinVar:

NM_004606.5(TAF1):c.5455A>G (p.Ser1819Gly)

Gene: TAF1 (TATA-box binding protein associated factor 1; plus strand). Cytogenetic location: Xq13.1.
Variant type: single nucleotide variant.
Coding change: c.5455A>G on transcript NM_004606.5 (MANE Select); coding-DNA position 5455, A replaced by G.
Protein change: p.Ser1819Gly; replaces serine 1819 with glycine.
Molecular consequence: missense variant.
Genome position (GRCh38, 1-based): chrX:71,463,879, A>G. VCF-style: chrX-71463879-A-G. GRCh37 (hg19) VCF-style: chrX-70683729-A-G.
Other names: c.5461A>G, p.Ser1821Gly (NM_001286074.2); c.5392A>G, p.Ser1798Gly (NM_138923.4); short protein forms S1821G, S1798G, S1819G.
Identifiers: ClinVar variation 2259158 (VCV002259158.16), dbSNP rs779130088, ClinGen allele CA10447405.

ClinVar aggregate classification (germline): Likely benign. Review status: criteria provided, multiple submitters, no conflicts (2 of 4 stars). 2 submissions from 2 submitters: Likely benign (2). Last evaluated 2024-11-01.

Conditions:
Inborn genetic diseases. Identifiers: MedGen C0950123, MeSH D030342.

Allele frequency attached by ClinVar (database versions not stated): ExAC 0.00001; gnomAD 0.00001; gnomAD exomes 0.00001.
gnomAD v4.1: 10 of 1,209,537 alleles (0.00083%); highest among the groups gnomAD compares: South Asian, 0.012%; no homozygotes.

Submissions (2):

CeGaT Center for Human Genetics Tuebingen
Classification: Likely benign. Last evaluated: 2024-11-01. Review status: criteria provided, single submitter. Criteria: CeGaT Center For Human Genetics Tuebingen Variant Classification Criteria Version 2. Collection method: clinical testing. Allele origin: germline. Affected: yes. Observed: 1 variant allele.
Comment: TAF1: BS2

Ambry Genetics
Classification: Likely benign for Inborn genetic diseases. Last evaluated: 2021-11-08. Review status: criteria provided, single submitter. Criteria: Ambry Variant Classification Scheme 2023. Collection method: clinical testing. Allele origin: germline.